The following is an entry in ClinVar:

NM_001127222.2(CACNA1A):c.2907G>A (p.Pro969=)

Gene: CACNA1A (calcium voltage-gated channel subunit alpha1 A; minus strand). Cytogenetic location: 19p13.13.
Variant type: single nucleotide variant.
Coding change: c.2907G>A on transcript NM_001127222.2 (MANE Select); coding-DNA position 2907, G replaced by A.
Protein change: p.Pro969=; no amino-acid change (proline 969 retained).
Molecular consequence: synonymous variant.
Genome position (GRCh38, 1-based): chr19:13,298,726, C>T on the plus strand (G>A on the coding strand, the complement: CACNA1A is on the minus strand). VCF-style: chr19-13298726-C-T. GRCh37 (hg19) VCF-style: chr19-13409540-C-T.
Other names: c.2919G>A, p.Pro973= (NM_000068.4, NM_023035.3); c.2910G>A, p.Pro970= (NM_001127221.2, NM_001174080.2); c.2910G>A (NM_000068.2).
Identifiers: ClinVar variation 476245 (VCV000476245.40), dbSNP rs772557121, ClinGen allele CA9240450.

ClinVar aggregate classification (germline): Benign/Likely benign. Review status: criteria provided, multiple submitters, no conflicts (2 of 4 stars). 6 submissions from 6 submitters: Benign (1); Likely benign (5). Last evaluated 2025-10-26.

Conditions:
Episodic ataxia type 2 (EA2). Also called: ACETAZOLAMIDE-RESPONSIVE HEREDITARY PAROXYSMAL CEREBELLAR ATAXIA; ATAXIA, EPISODIC, WITH NYSTAGMUS; ATAXIA, FAMILIAL PAROXYSMAL; CEREBELLAR ATAXIA, PAROXYSMAL, ACETAZOLAMIDE-RESPONSIVE; CEREBELLOPATHY, HEREDITARY PAROXYSMAL; EPISODIC ATAXIA, NYSTAGMUS-ASSOCIATED. Identifiers: Orphanet 97, MedGen C1720416, MONDO:0007163, OMIM 108500.
Developmental and epileptic encephalopathy, 42 (DEE42A). Also called: Epileptic encephalopathy, early infantile, 42; DEVELOPMENTAL AND EPILEPTIC ENCEPHALOPATHY 42A; EPILEPTIC ENCEPHALOPATHY, EARLY INFANTILE, 42A. Identifiers: MedGen C4310716, MONDO:0014917, OMIM 617106.
Inborn genetic diseases. Identifiers: MedGen C0950123, MeSH D030342.

Allele frequency attached by ClinVar (database versions not stated): TOPMed 0.00013; gnomAD 0.00015 and 0.00016; gnomAD exomes 0.00034; ExAC 0.00060.
gnomAD v4.1: 140 of 1,498,900 alleles (0.0093%); highest among the groups gnomAD compares: Admixed American, 0.022%; no homozygotes.

Submissions (6):

Labcorp Genetics (formerly Invitae), Labcorp
Classification: Likely benign for Developmental and epileptic encephalopathy, 42; Episodic ataxia type 2. Last evaluated: 2025-10-26. Review status: criteria provided, single submitter. Criteria: Invitae Variant Classification Sherloc (09022015). Collection method: clinical testing. Allele origin: germline.

Athena Diagnostics
Classification: Benign. Last evaluated: 2025-01-21. Review status: criteria provided, single submitter. Criteria: Athena Diagnostics Criteria. Collection method: clinical testing. Allele origin: unknown.
Comment: The frequency of this variant in the general population is higher than would generally be expected for pathogenic variants in this gene.

Blueprint Genetics
Classification: Likely benign. Last evaluated: 2024-02-27. Review status: criteria provided, single submitter. Criteria: ACMG Guidelines, 2015. Collection method: clinical testing. Allele origin: germline.

CeGaT Center for Human Genetics Tuebingen
Classification: Likely benign. Last evaluated: 2022-07-01. Review status: criteria provided, single submitter. Criteria: CeGaT Center For Human Genetics Tuebingen Variant Classification Criteria Version 2. Collection method: clinical testing. Allele origin: germline. Affected: yes. Observed: 1 variant allele.
Comment: CACNA1A: BP4, BP7

GeneDx
Classification: Likely benign. Last evaluated: 2021-06-12. Review status: criteria provided, single submitter. Criteria: GeneDx Variant Classification Process June 2021. Collection method: clinical testing. Allele origin: germline. Affected: yes.

Ambry Genetics
Classification: Likely benign for Inborn genetic diseases. Last evaluated: 2019-10-23. Review status: criteria provided, single submitter. Criteria: Ambry Variant Classification Scheme 2023. Collection method: clinical testing. Allele origin: germline.